The following is an entry in ClinVar:

NM_020884.7(MYH7B):c.967G>A (p.Val323Met)

Gene: MYH7B (myosin heavy chain 7B; plus strand). Cytogenetic location: 20q11.22.
Variant type: single nucleotide variant.
Coding change: c.967G>A on transcript NM_020884.7 (MANE Select); coding-DNA position 967, G replaced by A.
Protein change: p.Val323Met; replaces valine 323 with methionine.
Molecular consequence: missense variant.
Genome position (GRCh38, 1-based): chr20:34,986,948, G>A. VCF-style: chr20-34986948-G-A. GRCh37 (hg19) VCF-style: chr20-33574751-G-A.
Other names: c.1093G>A (NM_020884.4); short protein forms V323M.
Identifiers: ClinVar variation 1612394 (VCV001612394.9), dbSNP rs141268260, ClinGen allele CA9826728.

ClinVar aggregate classification (germline): Likely benign. Review status: criteria provided, multiple submitters, no conflicts (2 of 4 stars). 2 submissions from 2 submitters: Likely benign (2). Last evaluated 2025-12-23.

Conditions:
MYH7B-related disorder. Also called: MYH7B-related condition.

Allele frequency attached by ClinVar (database versions not stated): gnomAD 0.00118 and 0.00109; 1000 Genomes Project 0.00120; 1000 Genomes Project 30x 0.00156; gnomAD exomes 0.00010 and 0.00030; ExAC 0.00031; ESP Exome Variant Server 0.00110; TOPMed 0.00116.
gnomAD v4.1: 316 of 1,614,062 alleles (0.02%); highest among the groups gnomAD compares: African/African-American, 0.37%; 1 homozygote.

Submissions (2):

Labcorp Genetics (formerly Invitae), Labcorp
Classification: Likely benign. Last evaluated: 2025-12-23. Review status: criteria provided, single submitter. Criteria: Invitae Variant Classification Sherloc (09022015). Collection method: clinical testing. Allele origin: germline.

PreventionGenetics, part of Exact Sciences
Classification: Likely benign for MYH7B-related condition. Last evaluated: 2024-11-06. Review status: criteria provided, single submitter. Criteria: ACMG Guidelines, 2015. Collection method: clinical testing. Allele origin: germline.
Comment: This variant is classified as likely benign based on ACMG/AMP sequence variant interpretation guidelines (Richards et al. 2015 PMID: 25741868, with internal and published modifications).